The following is an entry in ClinVar:

ClinVar aggregate classification (germline): Pathogenic/Likely pathogenic. Review status: criteria provided, multiple submitters, no conflicts (2 of 4 stars). 4 submissions from 4 submitters: Pathogenic (2); Likely pathogenic (2). Last evaluated 2026-04-23.

Conditions:
Familial isolated deficiency of vitamin E (AVED). Also called: ATAXIA, FRIEDREICH-LIKE, WITH SELECTIVE VITAMIN E DEFICIENCY; Ataxia with isolated vitamin E deficiency. Identifiers: Orphanet 96, MedGen C1848533, MONDO:0010188, OMIM 277460.
TTPA-related disorder. Also called: TTPA-related condition.

Submissions (4):

Myriad Genetics, Inc.
Classification: Pathogenic for Familial isolated deficiency of vitamin E. Last evaluated: 2026-04-23. Review status: criteria provided, single submitter. Criteria: Myriad Autosomal Dominant, Autosomal Recessive and X-Linked Classification Criteria (2023). Collection method: clinical testing. Allele origin: unknown.
Comment: NM_000370.3(TTPA):c.588delG(I197*) is a nonsense variant classified as pathogenic in the context of ataxia with vitamin E deficiency. I197* has not been observed in cases with relevant disease. Relevant functional assessments of this variant are not available in the literature. I197* has not been observed in referenced population frequency databases. In summary, NM_000370.3(TTPA):c.588delG(I197*) is a nonsense variant in a gene where loss of function is a known mechanism of disease and is predicted to disrupt protein function. Please note: this variant was assessed in the context of healthy population screening.

Baylor Genetics
Classification: Likely pathogenic for Familial isolated deficiency of vitamin E. Last evaluated: 2023-06-01. Review status: criteria provided, single submitter. Criteria: ACMG Guidelines, 2015. Collection method: clinical testing. Allele origin: unknown.

Labcorp Genetics (formerly Invitae), Labcorp
Classification: Pathogenic. Last evaluated: 2022-01-04. Review status: criteria provided, single submitter. Criteria: Invitae Variant Classification Sherloc (09022015). Collection method: clinical testing. Allele origin: germline.
Comment: This sequence change creates a premature translational stop signal (p.Ile197*) in the TTPA gene. It is expected to result in an absent or disrupted protein product. Loss-of-function variants in TTPA are known to be pathogenic (PMID: 9463307, 26068213). This variant is not present in population databases (gnomAD no frequency). This variant has not been reported in the literature in individuals affected with TTPA-related conditions. For these reasons, this variant has been classified as Pathogenic.

Blueprint Genetics
Classification: Likely pathogenic for TTPA-related disorders. Last evaluated: 2019-12-05. Review status: criteria provided, single submitter. Criteria: ACMG Guidelines, 2015. Collection method: clinical testing. Allele origin: germline. Affected: yes. Observed: 1 variant allele.

Literature cited by the submitters: PubMed 9463307 (cited by Labcorp Genetics (formerly Invitae), Labcorp); PubMed 26068213 (cited by Labcorp Genetics (formerly Invitae), Labcorp).

NM_000370.3(TTPA):c.588del (p.Leu196_Ile197insTer)

Gene: TTPA (alpha tocopherol transfer protein; minus strand). Cytogenetic location: 8q12.3.
Variant type: Deletion.
Coding change: c.588del on transcript NM_000370.3 (MANE Select); coding-DNA position 588, one base deleted (G; older notation c.588delG).
Protein change: p.Leu196_Ile197insTer.
Molecular consequence: frameshift variant. On other transcripts: nonsense (3).
Genome position (GRCh38, 1-based): chr8:63,064,281, C deleted on the plus strand (G on the coding strand, the reverse complement: TTPA is on the minus strand). VCF-style (leftmost placement, unchanged base first): chr8-63064280-TC-T. GRCh37 (hg19) VCF-style: chr8-63976839-TC-T.
Other names: c.240delG, p.Ile81Terfs (NM_001413414.1); c.588delG, p.Ile197Terfs (NM_001413416.1); c.705delG, p.Ile236Terfs (NM_001413418.1).
Identifiers: ClinVar variation 2074456 (VCV002074456.7), dbSNP rs2487143337, ClinGen allele CA2580078885.